The following is an entry in ClinVar:

NM_198252.3(GSN):c.-9-1959G>T

Gene: GSN (gelsolin; plus strand). Cytogenetic location: 9q33.2.
Variant type: single nucleotide variant.
Coding change: c.-9-1959G>T on transcript NM_198252.3 (MANE Select); 1959 bases into the intron before 9 bases upstream of the start codon, G replaced by T.
Molecular consequence: intron variant. On other transcripts: missense variant (1).
Genome position (GRCh38, 1-based): chr9:121,300,004, G>T. VCF-style: chr9-121300004-G-T. GRCh37 (hg19) VCF-style: chr9-124062282-G-T.
Other names: c.143G>T, p.Arg48Leu (NM_000177.5); c.-9-1959G>T (NM_001353054.1, NM_001353053.1, NM_001353060.2 and 5 more transcripts); c.-47-52G>T (NM_001353064.2, NM_001353066.2, NM_001353072.2 and 8 more transcripts); c.-1-1967G>T (NM_001353058.2, NM_001353059.2, NM_001353056.2 and 1 more transcripts); c.-38-61G>T (NM_001353073.2, NM_001353065.2, NM_001353068.2 and 2 more transcripts); c.100-1959G>T (NM_001127663.2); c.-32-67G>T (NM_001353070.2); c.-48-1920G>T (NM_001353055.2); and 3 more; short protein forms R48L.
Identifiers: ClinVar variation 1968508 (VCV001968508.5), dbSNP rs771227467, ClinGen allele CA5220669.

ClinVar aggregate classification (germline): Uncertain significance (1 of 4 stars; one submission).

Allele frequency attached by ClinVar (database versions not stated): ExAC 0.00002.
gnomAD v4.1: 2 of 1,459,602 alleles (0.00014%); highest among the groups gnomAD compares: Non-Finnish European, 0.000091%; no homozygotes.

Submission:

Labcorp Genetics (formerly Invitae), Labcorp
Classification: Uncertain significance. Last evaluated: 2025-10-01. Review status: criteria provided, single submitter. Criteria: Invitae Variant Classification Sherloc (09022015). Collection method: clinical testing. Allele origin: germline.
Comment: This sequence change replaces arginine, which is basic and polar, with leucine, which is neutral and non-polar, at codon 48 of the GSN protein (p.Arg48Leu). The frequency data for this variant in the population databases is considered unreliable, as metrics indicate poor data quality at this position in the gnomAD database. This variant has not been reported in the literature in individuals affected with GSN-related conditions. ClinVar contains an entry for this variant (Variation ID: 1968508). An algorithm developed to predict the effect of missense changes on protein structure and function (PolyPhen-2) suggests that this variant is likely to be tolerated. In summary, the available evidence is currently insufficient to determine the role of this variant in disease. Therefore, it has been classified as a Variant of Uncertain Significance.